The following is an entry in ClinVar:

NM_172107.4(KCNQ2):c.493dup (p.Arg165fs)

Gene: KCNQ2 (potassium voltage-gated channel subfamily Q member 2; minus strand). Cytogenetic location: 20q13.33.
Variant type: Duplication.
Coding change: c.493dup on transcript NM_172107.4 (MANE Select); coding-DNA position 493, one base duplicated (C; older notation c.493dupC).
Protein change: p.Arg165fs; shifts the reading frame from arginine 165.
Molecular consequence: frameshift variant.
Genome position (GRCh38, 1-based): chr20:63,445,259, G duplicated on the plus strand (C on the coding strand, the reverse complement: KCNQ2 is on the minus strand); the first of 3 consecutive G bases (chr20:63,445,259-63,445,261); duplicating any one gives the same sequence. VCF-style (leftmost placement, unchanged base first): chr20-63445258-C-CG. GRCh37 (hg19) VCF-style: chr20-62076611-C-CG.
Other names: c.493dup, p.Arg165fs (NM_001382235.1, NM_004518.6, NM_172106.3 and 2 more transcripts); short protein forms R165fs.
Identifiers: ClinVar variation 1076681 (VCV001076681.8), dbSNP rs2145778884, ClinGen allele CA2499225806.

ClinVar aggregate classification (germline): Pathogenic (1 of 4 stars; one submission).

Conditions:
Early-infantile DEE. Also called: Ohtahara syndrome; Early infantile epileptic encephalopathy with suppression bursts; Early infantile epileptic encephalopathy. Identifiers: Orphanet 1934, MedGen C0393706, MONDO:0800491.

Submission:

Labcorp Genetics (formerly Invitae), Labcorp
Classification: Pathogenic for Early-infantile DEE. Last evaluated: 2020-03-02. Review status: criteria provided, single submitter. Criteria: Invitae Variant Classification Sherloc (09022015). Collection method: clinical testing. Allele origin: germline.
Comment: For these reasons, this variant has been classified as Pathogenic. Loss-of-function variants in KCNQ2 are known to be pathogenic (PMID: 14534157, 23692823, 27779742). This variant has not been reported in the literature in individuals with KCNQ2-related conditions. This variant is not present in population databases (ExAC no frequency). This sequence change creates a premature translational stop signal (p.Arg165Profs*8) in the KCNQ2 gene. It is expected to result in an absent or disrupted protein product.

Literature cited by the submitters: PubMed 14534157; PubMed 23692823; PubMed 27779742.